The following is an entry in ClinVar:

NM_018136.5(ASPM):c.8599delinsAT (p.Gln2867fs)

Gene: ASPM (assembly factor for spindle microtubules; minus strand). Cytogenetic location: 1q31.3.
Variant type: Indel.
Coding change: c.8599delinsAT on transcript NM_018136.5 (MANE Select); coding-DNA position 8599, C replaced by AT.
Protein change: p.Gln2867fs; shifts the reading frame from glutamine 2867.
Molecular consequence: frameshift variant. On other transcripts: intron variant (1).
Genome position (GRCh38, 1-based): chr1:197,100,652, G replaced by AT on the plus strand (C replaced by AT on the coding strand, the reverse complement: ASPM is on the minus strand). VCF-style: chr1-197100652-G-AT. GRCh37 (hg19) VCF-style: chr1-197069782-G-AT.
Other names: c.4066-4488delinsAT (NM_001206846.2); short protein forms Q2867fs.
Identifiers: ClinVar variation 3653784 (VCV003653784.2).

ClinVar aggregate classification (germline): Pathogenic (1 of 4 stars; one submission).

Submission:

Labcorp Genetics (formerly Invitae), Labcorp
Classification: Pathogenic. Last evaluated: 2024-05-18. Review status: criteria provided, single submitter. Criteria: Invitae Variant Classification Sherloc (09022015). Collection method: clinical testing. Allele origin: germline.
Comment: This sequence change creates a premature translational stop signal (p.Gln2867Ilefs*5) in the ASPM gene. It is expected to result in an absent or disrupted protein product. Loss-of-function variants in ASPM are known to be pathogenic (PMID: 19028728, 23611254). Information on the frequency of this variant in the gnomAD database is not available, as this variant may be reported differently in the database. This premature translational stop signal has been observed in individual(s) with primary microcephaly (PMID: 29243349). For these reasons, this variant has been classified as Pathogenic.

Literature cited by the submitters: PubMed 19028728; PubMed 23611254; PubMed 29243349.